The following is an entry in ClinVar:

ClinVar aggregate classification (germline): Conflicting classifications of pathogenicity. Review status: criteria provided, conflicting classifications (1 of 4 stars). 7 submissions from 7 submitters: Uncertain significance (4); Benign (1); Likely benign (2). Last evaluated 2025-12-13.

Conditions:
Arrhythmogenic cardiomyopathy with wooly hair and keratoderma. Also called: Carvajal syndrome; Dilated cardiomyopathy with woolly hair and keratoderma; Arrhythmogenic cardiomyopathy with woolly hair and keratoderma; PALMOPLANTAR KERATODERMA WITH LEFT VENTRICULAR CARDIOMYOPATHY AND WOOLLY HAIR. Identifiers: Orphanet 65282, MedGen C1854063, MONDO:0011581, OMIM 605676.
Arrhythmogenic right ventricular dysplasia 8 (ARVD8). Also called: Arrhythmogenic Right Ventricular Dysplasia/Cardiomyopathy 8; ARRHYTHMOGENIC RIGHT VENTRICULAR CARDIOMYOPATHY 8; ARRHYTHMOGENIC RIGHT VENTRICULAR DYSPLASIA, FAMILIAL, 8. Identifiers: MedGen C1843896, MONDO:0011831, OMIM 607450.
Cardiomyopathy, dilated, with wooly hair, keratoderma, and tooth agenesis. Also called: Cardiomyopathy, dilated, with woolly hair, keratoderma, and tooth agenesis; Erythrokeratodermia-cardiomyopathy syndrome. Identifiers: Orphanet 476096, Orphanet 65282, MedGen C4014393, MONDO:0014355, OMIM 615821.
Lethal acantholytic epidermolysis bullosa (EBLA). Identifiers: Orphanet 158687, MedGen C1864826, MONDO:0012323, OMIM 609638.
Keratosis palmoplantaris striata 2. Also called: KERATODERMA, PALMOPLANTAR, STRIATE FORM II; STRIATE PALMOPLANTAR KERATODERMA II; Keratosis palmoplantaris striata II. Identifiers: MedGen C1852127, MONDO:0013034, OMIM 612908.
Woolly hair-skin fragility syndrome (WHSF). Identifiers: Orphanet 293165, MedGen C1843292, MONDO:0957307, OMIM 620415.
Cardiovascular phenotype. Identifiers: MedGen CN230736.
Cardiomyopathy (CMYO). Also called: Cardiomyopathies. Identifiers: Orphanet 167848, MedGen C0878544, MONDO:0004994, HP:0001638. Inheritance: Various modes of inheritance.

Allele frequency attached by ClinVar (database versions not stated): gnomAD exomes 0.00002 and 0.00005; ExAC 0.00006; gnomAD 0.00015 and 0.00016; 1000 Genomes Project 30x 0.00016; TOPMed 0.00016; 1000 Genomes Project 0.00020; ESP Exome Variant Server 0.00023.

Submissions (7):

Labcorp Genetics (formerly Invitae), Labcorp
Classification: Benign for Arrhythmogenic cardiomyopathy with wooly hair and keratoderma; Arrhythmogenic right ventricular dysplasia 8. Last evaluated: 2025-12-13. Review status: criteria provided, single submitter. Criteria: Invitae Variant Classification Sherloc (09022015). Collection method: clinical testing. Allele origin: germline.

Molecular Diagnostic Laboratory for Inherited Cardiovascular Disease, Montreal Heart Institute
Classification: Uncertain significance for Cardiovascular phenotype. Last evaluated: 2025-02-17. Review status: criteria provided, single submitter. Criteria: ACMG Guidelines, 2015. Collection method: clinical testing. Allele origin: germline. Affected: yes.

Color Diagnostics, LLC DBA Color Health
Classification: Likely benign for Cardiomyopathy. Last evaluated: 2022-11-16. Review status: criteria provided, single submitter. Criteria: ACMG Guidelines, 2015. Collection method: clinical testing. Allele origin: germline.

New York Genome Center
Classification: Uncertain significance for Arrhythmogenic right ventricular dysplasia 8; Cardiomyopathy, dilated, with wooly hair, keratoderma, and tooth agenesis; Arrhythmogenic cardiomyopathy with wooly hair and keratoderma. Last evaluated: 2022-07-01. Review status: criteria provided, single submitter. Criteria: NYGC Assertion Criteria 2020. Collection method: clinical testing. Allele origin: germline. Observed: 1 heterozygote.
Comment: The c.2468C>T p.(Ser823Leu) variant identified in the DSP gene substitutes a conserved Serine for Leucine at amino acid 823/2872(exon 18/24). This variant is found with low frequency in population databases gnomADv3.1.2, gnomADv2.1.1, TOPMed Freeze 8, All of Us (allele frequency: 2.08e-4) suggesting it is not a common benign variant in the populations represented in those databases. This variant is reported as a Variant of Uncertain Significance in ClinVar (VarID:199869), and has been reported in two individuals in the literature with either dilated or hypertrophic cardiomyopathy [Supp File 2; PMID:30847666], though with uncertain clinical significance. Given the lack of compelling evidence for its pathogenicity, the c.2468C>T p.(Ser823Leu) variant identified in the DSP gene is reported as a Variant of Uncertain Significance.

Ambry Genetics
Classification: Likely benign for Cardiovascular phenotype. Last evaluated: 2022-01-03. Review status: criteria provided, single submitter. Criteria: Ambry Variant Classification Scheme 2023. Collection method: clinical testing. Allele origin: germline.

Fulgent Genetics
Classification: Uncertain significance for Arrhythmogenic cardiomyopathy with wooly hair and keratoderma; Arrhythmogenic right ventricular dysplasia 8; Lethal acantholytic epidermolysis bullosa; Keratosis palmoplantaris striata 2; Cardiomyopathy, dilated, with wooly hair, keratoderma, and tooth agenesis. Last evaluated: 2021-09-03. Review status: criteria provided, single submitter. Criteria: ACMG Guidelines, 2015. Collection method: clinical testing. Allele origin: unknown.

GeneDx
Classification: Uncertain significance. Last evaluated: 2014-11-10. Review status: criteria provided, single submitter. Criteria: GeneDx Variant Classification (06012015). Collection method: clinical testing. Allele origin: germline. Affected: yes.
Comment: p.Ser823Leu (TCG>TTG): c.2468 C>T in exon 18 of the DSP gene (NM_004415.2). The Ser823Leu variant in the DSP gene has not been reported as a disease-causing mutation or as a benign polymorphism to our knowledge. Ser823Leu results in a non-conservative amino acid substitution of a neutral, polar Serine with a non-polar Leucine at a position that is class conserved in mammals. In silico algorithms are not consistent in their predictions but at least two concur that Ser823Leu is possibly damaging to the protein structure/function. The Ser823Leu variant was not observed with any significant frequency in approximately 6,500 individuals of European and African American ancestry in the NHLBI Exome Sequencing Project. Nevertheless, no mutations in nearby residues have been reported in association with ARVC. With the clinical and molecular information available at this time, we cannot definitively determine if Ser823Leu is a disease-causing mutation or a rare benign variant. The variant is found in ARVC, ARRHYTHMIA panel(s).

Literature cited by the submitters: PubMed 30847666 (cited by Ambry Genetics).

NM_004415.4(DSP):c.2468C>T (p.Ser823Leu)

Gene: DSP (desmoplakin; plus strand). Cytogenetic location: 6p24.3.
Variant type: single nucleotide variant.
Coding change: c.2468C>T on transcript NM_004415.4 (MANE Select); coding-DNA position 2468, C replaced by T.
Protein change: p.Ser823Leu; replaces serine 823 with leucine.
Molecular consequence: missense variant.
Genome position (GRCh38, 1-based): chr6:7,575,326, C>T. VCF-style: chr6-7575326-C-T. GRCh37 (hg19) VCF-style: chr6-7575559-C-T.
Other names: p.S823L:TCG>TTG; c.2468C>T (LRG_423t1, NM_004415.3); c.2468C>T, p.Ser823Leu (NM_001008844.3, NM_001319034.2); short protein forms S823L.
Identifiers: ClinVar variation 199869 (VCV000199869.22), dbSNP rs141834182, ClinGen allele CA005390.